The following is an entry in ClinVar:

NM_001080467.3(MYO5B):c.1733A>C (p.Asn578Thr)

Gene: MYO5B (myosin VB; minus strand). Cytogenetic location: 18q21.1.
Variant type: single nucleotide variant.
Coding change: c.1733A>C on transcript NM_001080467.3 (MANE Select); coding-DNA position 1733, A replaced by C.
Protein change: p.Asn578Thr; replaces asparagine 578 with threonine.
Molecular consequence: missense variant.
Genome position (GRCh38, 1-based): chr18:49,953,279, T>G on the plus strand (A>C on the coding strand, the complement: MYO5B is on the minus strand). VCF-style: chr18-49953279-T-G. GRCh37 (hg19) VCF-style: chr18-47479649-T-G.
Other names: c.1733A>C (NM_001080467.2); short protein forms N578T.
Identifiers: ClinVar variation 1437487 (VCV001437487.7), dbSNP rs778745198, ClinGen allele CA8961405.

ClinVar aggregate classification (germline): Uncertain significance. Review status: criteria provided, multiple submitters, no conflicts (2 of 4 stars). 2 submissions from 2 submitters: Uncertain significance (2). Last evaluated 2024-08-05.

Conditions:
Inborn genetic diseases. Identifiers: MedGen C0950123, MeSH D030342.

Allele frequency attached by ClinVar (database versions not stated): ExAC 0.00001; gnomAD exomes 0.00001.
gnomAD v4.1: 9 of 1,614,080 alleles (0.00056%); highest among the groups gnomAD compares: African/African-American, 0.011%; no homozygotes.

Submissions (2):

Ambry Genetics
Classification: Uncertain significance for Inborn genetic diseases. Last evaluated: 2024-08-05. Review status: criteria provided, single submitter. Criteria: Ambry Variant Classification Scheme 2023. Collection method: clinical testing. Allele origin: germline.

Labcorp Genetics (formerly Invitae), Labcorp
Classification: Uncertain significance. Last evaluated: 2021-07-01. Review status: criteria provided, single submitter. Criteria: Invitae Variant Classification Sherloc (09022015). Collection method: clinical testing. Allele origin: germline.
Comment: This sequence change replaces asparagine with threonine at codon 578 of the MYO5B protein (p.Asn578Thr). The asparagine residue is highly conserved and there is a small physicochemical difference between asparagine and threonine. This variant is present in population databases (rs778745198, ExAC 0.01%). This variant has not been reported in the literature in individuals affected with MYO5B-related conditions. Algorithms developed to predict the effect of missense changes on protein structure and function are either unavailable or do not agree on the potential impact of this missense change (SIFT: "Deleterious"; PolyPhen-2: "Benign"; Align-GVGD: "Class C0"). In summary, the available evidence is currently insufficient to determine the role of this variant in disease. Therefore, it has been classified as a Variant of Uncertain Significance.